The following is an entry in ClinVar:

ClinVar aggregate classification (germline): other (0 of 4 stars; one submission).

Conditions:
Familial colorectal cancer. Identifiers: MedGen CN280943, MONDO:0023113. Disease mechanism: loss of function.

Allele frequency attached by ClinVar (database versions not stated): gnomAD 0.38039 and 0.39397; TOPMed 0.40141; 1000 Genomes Project 30x 0.43379; 1000 Genomes Project 0.43890.
gnomAD v4.1: 60,090 of 152,022 alleles (40%); highest among the groups gnomAD compares: East Asian, 69%; 14,364 homozygotes.

Submission:

Systems Biology Platform Zhejiang California International NanoSystems Institute
Classification: other for Familial colorectal cancer. Review status: no assertion criteria provided. Collection method: not provided. Allele origin: unknown.
ClinVar note: Converted during submission from cancer to other.

NM_000038.6(APC):c.730-772A>G

Gene: APC (APC regulator of WNT signaling pathway; plus strand). Cytogenetic location: 5q22.2.
Variant type: single nucleotide variant.
Coding change: c.730-772A>G on transcript NM_000038.6 (MANE Select); 772 bases into the intron before coding-DNA position 730, A replaced by G.
Molecular consequence: intron variant.
Genome position (GRCh38, 1-based): chr5:112,800,507, A>G. VCF-style: chr5-112800507-A-G. GRCh37 (hg19) VCF-style: chr5-112136204-A-G.
Other names: c.730-772A>G (NM_001354895.2, NM_001127510.3, NM_001354896.2 and 1 more transcripts); c.760-772A>G (NM_001354897.2, NM_001354902.2); c.676-772A>G (NM_001127511.3); c.655-772A>G (NM_001354898.2, NM_001354904.2); c.-306-772A>G (NM_001354906.2); c.646-772A>G (NM_001354899.2); c.553-772A>G (NM_001354900.2, NM_001354901.2, NM_001354905.2).
Identifiers: ClinVar variation 83037 (VCV000083037.2), dbSNP rs511906, ClinGen allele CA013621.